The following is an entry in ClinVar:

ClinVar aggregate classification (germline): Likely benign (0 of 4 stars; one submission).

Conditions:
PLXNA1-related disorder. Also called: PLXNA1-related condition.

gnomAD v4.1: 3 of 1,613,858 alleles (0.00019%); highest among the groups gnomAD compares: African/African-American, 0.004%; no homozygotes.

Submission:

PreventionGenetics, part of Exact Sciences
Classification: Likely benign for PLXNA1-related condition. Last evaluated: 2023-12-06. Review status: no assertion criteria provided. Collection method: clinical testing. Allele origin: germline.
Comment: This variant is classified as likely benign based on ACMG/AMP sequence variant interpretation guidelines (Richards et al. 2015 PMID: 25741868, with internal and published modifications).

NM_032242.4(PLXNA1):c.2346G>T (p.Leu782=)

Gene: PLXNA1 (plexin A1; plus strand). Cytogenetic location: 3q21.3.
Variant type: single nucleotide variant.
Coding change: c.2346G>T on transcript NM_032242.4 (MANE Select); coding-DNA position 2346, G replaced by T.
Protein change: p.Leu782=; no amino-acid change (leucine 782 retained).
Molecular consequence: synonymous variant.
Genome position (GRCh38, 1-based): chr3:127,014,052, G>T. VCF-style: chr3-127014052-G-T. GRCh37 (hg19) VCF-style: chr3-126732895-G-T.
Identifiers: ClinVar variation 3348652 (VCV003348652.1).